The following is an entry in ClinVar:

ClinVar aggregate classification (germline): Uncertain significance (1 of 4 stars; one submission).

Submission:

Labcorp Genetics (formerly Invitae), Labcorp
Classification: Uncertain significance. Last evaluated: 2021-04-10. Review status: criteria provided, single submitter. Criteria: Invitae Variant Classification Sherloc (09022015). Collection method: clinical testing. Allele origin: germline.
Comment: This variant is not present in population databases (ExAC no frequency). This sequence change replaces valine with glycine at codon 1461 of the MTOR protein (p.Val1461Gly). The valine residue is moderately conserved and there is a moderate physicochemical difference between valine and glycine. This variant has not been reported in the literature in individuals with MTOR-related disease. In summary, the available evidence is currently insufficient to determine the role of this variant in disease. Therefore, it has been classified as a Variant of Uncertain Significance. Algorithms developed to predict the effect of missense changes on protein structure and function (SIFT, PolyPhen-2, Align-GVGD) all suggest that this variant is likely to be tolerated, but these predictions have not been confirmed by published functional studies and their clinical significance is uncertain.

NM_004958.4(MTOR):c.4382T>G (p.Val1461Gly)

Gene: MTOR (mechanistic target of rapamycin kinase; minus strand). Cytogenetic location: 1p36.22.
Variant type: single nucleotide variant.
Coding change: c.4382T>G on transcript NM_004958.4 (MANE Select); coding-DNA position 4382, T replaced by G.
Protein change: p.Val1461Gly; replaces valine 1461 with glycine.
Molecular consequence: missense variant.
Genome position (GRCh38, 1-based): chr1:11,157,239, A>C on the plus strand (T>G on the coding strand, the complement: MTOR is on the minus strand). VCF-style: chr1-11157239-A-C. GRCh37 (hg19) VCF-style: chr1-11217296-A-C.
Other names: c.4382T>G, p.Val1461Gly (NM_001386500.1); c.3134T>G, p.Val1045Gly (NM_001386501.1); short protein forms V1045G, V1461G.
Identifiers: ClinVar variation 1495309 (VCV001495309.8), dbSNP rs761536364, ClinGen allele CA338371946.